The following is an entry in ClinVar:

ClinVar aggregate classification (germline): Uncertain significance. Review status: criteria provided, multiple submitters, no conflicts (2 of 4 stars). 2 submissions from 2 submitters: Uncertain significance (2). Last evaluated 2025-08-13.

Conditions:
Cardiovascular phenotype. Identifiers: MedGen CN230736.
Primary dilated cardiomyopathy (DCM). Also called: Dilated Cardiomyopathy. Identifiers: Orphanet 217604, MedGen C0007193, MeSH D002311, MONDO:0005021, HP:0001644. Inheritance: Various modes of inheritance.

gnomAD v4.1: 9 of 1,613,740 alleles (0.00056%); highest among the groups gnomAD compares: African/African-American, 0.0067%; no homozygotes.

Submissions (2):

Labcorp Genetics (formerly Invitae), Labcorp
Classification: Uncertain significance for Primary dilated cardiomyopathy. Last evaluated: 2025-08-13. Review status: criteria provided, single submitter. Criteria: Invitae Variant Classification Sherloc (09022015). Collection method: clinical testing. Allele origin: germline.
Comment: This sequence change replaces serine, which is neutral and polar, with cysteine, which is neutral and slightly polar, at codon 299 of the TXNRD2 protein (p.Ser299Cys). This variant is present in population databases (no rsID available, gnomAD 0.004%). This variant has not been reported in the literature in individuals affected with TXNRD2-related conditions. ClinVar contains an entry for this variant (Variation ID: 1765248). An algorithm developed to predict the effect of missense changes on protein structure and function (PolyPhen-2) suggests that this variant is likely to be tolerated. In summary, the available evidence is currently insufficient to determine the role of this variant in disease. Therefore, it has been classified as a Variant of Uncertain Significance.

Ambry Genetics
Classification: Uncertain significance for Cardiovascular phenotype. Last evaluated: 2020-06-23. Review status: criteria provided, single submitter. Criteria: Ambry Variant Classification Scheme 2023. Collection method: clinical testing. Allele origin: germline.
Comment: The p.S299C variant (also known as c.895A>T), located in coding exon 11 of the TXNRD2 gene, results from an A to T substitution at nucleotide position 895. The serine at codon 299 is replaced by cysteine, an amino acid with dissimilar properties. This amino acid position is poorly conserved in available vertebrate species, and cysteine is the reference amino acid in other vertebrate species. In addition, this alteration is predicted to be tolerated by in silico analysis. Since supporting evidence is limited at this time, the clinical significance of this alteration remains unclear.

NM_006440.5(TXNRD2):c.895A>T (p.Ser299Cys)

Gene: TXNRD2 (thioredoxin reductase 2; minus strand). Cytogenetic location: 22q11.21.
Variant type: single nucleotide variant.
Coding change: c.895A>T on transcript NM_006440.5 (MANE Select); coding-DNA position 895, A replaced by T.
Protein change: p.Ser299Cys; replaces serine 299 with cysteine.
Molecular consequence: missense variant. On other transcripts: non-coding transcript variant (1).
Genome position (GRCh38, 1-based): chr22:19,895,461, T>A on the plus strand (A>T on the coding strand, the complement: TXNRD2 is on the minus strand). VCF-style: chr22-19895461-T-A. GRCh37 (hg19) VCF-style: chr22-19882984-T-A.
Other names: c.895A>T, p.Ser299Cys (NM_001282512.3); c.892A>T, p.Ser298Cys (NM_001352300.2); c.805A>T, p.Ser269Cys (NM_001352301.2); c.607A>T, p.Ser203Cys (NM_001352302.2); c.799A>T, p.Ser267Cys (NM_001352303.2); short protein forms S267C, S269C, S299C, S203C, S298C.
Identifiers: ClinVar variation 1765248 (VCV001765248.4), dbSNP rs5992495, ClinGen allele CA410686536.